The following is an entry in ClinVar:

NM_000543.5(SMPD1):c.1697T>C (p.Met566Thr)

Gene: SMPD1 (sphingomyelin phosphodiesterase 1; plus strand). Cytogenetic location: 11p15.4.
Variant type: single nucleotide variant.
Coding change: c.1697T>C on transcript NM_000543.5 (MANE Select); coding-DNA position 1697, T replaced by C.
Protein change: p.Met566Thr; replaces methionine 566 with threonine.
Molecular consequence: missense variant. On other transcripts: 3 prime UTR variant (1), non-coding transcript variant (2).
Genome position (GRCh38, 1-based): chr11:6,394,408, T>C. VCF-style: chr11-6394408-T-C. GRCh37 (hg19) VCF-style: chr11-6415638-T-C.
Other names: c.1694T>C, p.Met565Thr (NM_001007593.3); c.*190T>C (NM_001318087.2); c.776T>C, p.Met259Thr (NM_001318088.2); c.1565T>C, p.Met522Thr (NM_001365135.2); short protein forms M259T, M522T, M565T, M566T.
Identifiers: ClinVar variation 4074530 (VCV004074530.1).
Genomic context (GRCh38, chr11:6,394,408, plus strand): 5'-GGCTGCCCAACACACTGCCTACCGCCTGGCACAACCTGGTATATCGCATGCGGGGCGACA[T>C]GCAACTTTTCCAGACCTTCTGGTTTCTCTACCATAAGGGCCACCCACCCTCGGAGCCCTG-3'
Protein context (NP_000534.3, residues 556-576): HNLVYRMRGD[Met566Thr]QLFQTFWFLY

ClinVar aggregate classification (germline): Uncertain significance (1 of 4 stars; one submission).

gnomAD v4.1: 19 of 1,614,102 alleles (0.0012%); highest among the groups gnomAD compares: Middle Eastern, 0.016%; no homozygotes.

Submission:

GeneDx
Classification: Uncertain significance. Last evaluated: 2025-02-07. Review status: criteria provided, single submitter. Criteria: GeneDx Variant Classification Process June 2021. Collection method: clinical testing. Allele origin: germline. Affected: yes.
Comment: Not observed at significant frequency in large population cohorts (gnomAD); In silico analysis indicates that this missense variant does not alter protein structure/function; Has not been previously published as pathogenic or benign to our knowledge